The following is an entry in ClinVar:

NM_000535.7(PMS2):c.2502G>C (p.Met834Ile)

Gene: PMS2 (PMS1 homolog 2, mismatch repair system component; minus strand). Cytogenetic location: 7p22.1.
Variant type: single nucleotide variant.
Coding change: c.2502G>C on transcript NM_000535.7 (MANE Select); coding-DNA position 2502, G replaced by C.
Protein change: p.Met834Ile; replaces methionine 834 with isoleucine.
Molecular consequence: missense variant. On other transcripts: non-coding transcript variant (1).
Genome position (GRCh38, 1-based): chr7:5,973,486, C>G on the plus strand (G>C on the coding strand, the complement: PMS2 is on the minus strand). VCF-style: chr7-5973486-C-G. GRCh37 (hg19) VCF-style: chr7-6013117-C-G.
Other names: c.2097G>C, p.Met699Ile (NM_001322003.2, NM_001322004.2, NM_001322005.2); c.2346G>C, p.Met782Ile (NM_001322006.2); c.2184G>C, p.Met728Ile (NM_001322007.2, NM_001322008.2); c.2130G>C, p.Met710Ile (NM_001322009.2); c.1941G>C, p.Met647Ile (NM_001322010.2); c.1569G>C, p.Met523Ile (NM_001322011.2, NM_001322012.2); c.1929G>C, p.Met643Ile (NM_001322013.2); c.2535G>C, p.Met845Ile (NM_001322014.2); and 1 more; short protein forms M731I, M710I, M834I, M845I, M643I, M647I, M523I, M699I.
Identifiers: ClinVar variation 1485014 (VCV001485014.8), dbSNP rs1554292818, ClinGen allele CA366734920.

ClinVar aggregate classification (germline): Uncertain significance. Review status: criteria provided, multiple submitters, no conflicts (2 of 4 stars). 3 submissions from 3 submitters: Uncertain significance (3). Last evaluated 2025-05-20.

Conditions:
Hereditary cancer-predisposing syndrome. Also called: Hereditary neoplastic syndrome; Neoplastic Syndromes, Hereditary; Hereditary Cancer Syndrome; Tumor predisposition. Identifiers: Orphanet 140162, MedGen C0027672, MeSH D009386, MONDO:0015356.
Hereditary nonpolyposis colorectal neoplasms. Identifiers: MedGen C0009405, MeSH D003123.

Submissions (3):

Color Diagnostics, LLC DBA Color Health
Classification: Uncertain significance for Hereditary cancer-predisposing syndrome. Last evaluated: 2025-05-20. Review status: criteria provided, single submitter. Criteria: ACMG Guidelines, 2015. Collection method: clinical testing. Allele origin: germline.
Comment: This missense variant replaces methionine with isoleucine at codon 834 of the PMS2 protein. Computational prediction suggests that this variant may have deleterious impact on protein structure and function. To our knowledge, functional studies have not been reported for this variant. This variant has not been reported in individuals affected with PMS2-related disorders in the literature. This variant has not been identified in the general population by the Genome Aggregation Database (gnomAD). The available evidence is insufficient to determine the role of this variant in disease conclusively. Therefore, this variant is classified as a Variant of Uncertain Significance.

Labcorp Genetics (formerly Invitae), Labcorp
Classification: Uncertain significance for Hereditary nonpolyposis colorectal neoplasms. Last evaluated: 2023-12-27. Review status: criteria provided, single submitter. Criteria: Invitae Variant Classification Sherloc (09022015). Collection method: clinical testing. Allele origin: germline.
Comment: This sequence change replaces methionine, which is neutral and non-polar, with isoleucine, which is neutral and non-polar, at codon 834 of the PMS2 protein (p.Met834Ile). The frequency data for this variant in the population databases (gnomAD) is considered unreliable due to the presence of homologous sequence, such as pseudogenes or paralogs, in the genome. This variant has not been reported in the literature in individuals affected with PMS2-related conditions. ClinVar contains an entry for this variant (Variation ID: 1485014). Advanced modeling of protein sequence and biophysical properties (such as structural, functional, and spatial information, amino acid conservation, physicochemical variation, residue mobility, and thermodynamic stability) performed at Invitae indicates that this missense variant is expected to disrupt PMS2 protein function with a positive predictive value of 80%. In summary, the available evidence is currently insufficient to determine the role of this variant in disease. Therefore, it has been classified as a Variant of Uncertain Significance.

Ambry Genetics
Classification: Uncertain significance for Hereditary cancer-predisposing syndrome. Last evaluated: 2021-02-18. Review status: criteria provided, single submitter. Criteria: Ambry Variant Classification Scheme 2023. Collection method: clinical testing. Allele origin: germline.
Comment: The p.M834I variant (also known as c.2502G>C), located in coding exon 15 of the PMS2 gene, results from a G to C substitution at nucleotide position 2502. The methionine at codon 834 is replaced by isoleucine, an amino acid with highly similar properties. This amino acid position is highly conserved in available vertebrate species. In addition, this alteration is predicted to be deleterious by in silico analysis. Since supporting evidence is limited at this time, the clinical significance of this alteration remains unclear.